The following is an entry in ClinVar:

ClinVar aggregate classification (germline): Uncertain significance (1 of 4 stars; one submission).

Submission:

Labcorp Genetics (formerly Invitae), Labcorp
Classification: Uncertain significance. Last evaluated: 2022-09-12. Review status: criteria provided, single submitter. Criteria: Invitae Variant Classification Sherloc (09022015). Collection method: clinical testing. Allele origin: germline.
Comment: This sequence change replaces glutamic acid, which is acidic and polar, with glutamine, which is neutral and polar, at codon 163 of the CAMK2B protein (p.Glu163Gln). In summary, the available evidence is currently insufficient to determine the role of this variant in disease. Therefore, it has been classified as a Variant of Uncertain Significance. Algorithms developed to predict the effect of missense changes on protein structure and function (SIFT, PolyPhen-2, Align-GVGD) all suggest that this variant is likely to be disruptive. This variant has not been reported in the literature in individuals affected with CAMK2B-related conditions. This variant is not present in population databases (gnomAD no frequency).

NM_001220.5(CAMK2B):c.487G>C (p.Glu163Gln)

Gene: CAMK2B (calcium/calmodulin dependent protein kinase II beta; minus strand). Cytogenetic location: 7p13.
Variant type: single nucleotide variant.
Coding change: c.487G>C on transcript NM_001220.5 (MANE Select); coding-DNA position 487, G replaced by C.
Protein change: p.Glu163Gln; replaces glutamic acid 163 with glutamine.
Molecular consequence: missense variant.
Genome position (GRCh38, 1-based): chr7:44,243,455, C>G on the plus strand (G>C on the coding strand, the complement: CAMK2B is on the minus strand). VCF-style: chr7-44243455-C-G. GRCh37 (hg19) VCF-style: chr7-44283054-C-G.
Other names: c.487G>C, p.Glu163Gln (NM_172078.3, NM_172079.3, NM_172080.3 and 5 more transcripts); short protein forms E163Q.
Identifiers: ClinVar variation 1719264 (VCV001719264.5), dbSNP rs2486095060, ClinGen allele CA367366063.